The following is an entry in ClinVar:

ClinVar aggregate classification (germline): Benign. Review status: criteria provided, multiple submitters, no conflicts (2 of 4 stars). 6 submissions from 6 submitters: Benign (5). 1 of the submissions does not count toward it. Last evaluated 2026-02-04.

Conditions:
Saldino-Mainzer syndrome (SRTD9). Also called: Renal dysplasia, retinal pigmentary dystrophy, cerebellar ataxia and skeletal dysplasia; SHORT-RIB THORACIC DYSPLASIA 9 WITHOUT POLYDACTYLY; CONORENAL SYNDROME; short-rib thoracic dysplasia 9 with or without polydactyly. Identifiers: Orphanet 140969, MedGen C1849437, MONDO:0009964, OMIM 266920.

Allele frequency attached by ClinVar (database versions not stated): ExAC 0.16346; gnomAD exomes 0.16977; gnomAD 0.18304; ESP Exome Variant Server 0.18849; TOPMed 0.21313; 1000 Genomes Project 0.21785; 1000 Genomes Project 30x 0.22267.
gnomAD v4.1: 214,173 of 1,605,778 alleles (13%); highest among the groups gnomAD compares: African/African-American, 34%; 17,963 homozygotes.

Submissions (6):

Labcorp Genetics (formerly Invitae), Labcorp
Classification: Benign for Saldino-Mainzer syndrome. Last evaluated: 2026-02-04. Review status: criteria provided, single submitter. Criteria: Invitae Variant Classification Sherloc (09022015). Collection method: clinical testing. Allele origin: germline.

Illumina Laboratory Services, Illumina
Classification: Benign for Saldino-Mainzer syndrome. Last evaluated: 2018-01-13. Review status: criteria provided, single submitter. Criteria: ICSL Variant Classification Criteria 13 December 2019. Collection method: clinical testing. Allele origin: germline.
Comment: This variant was observed in the ICSL laboratory as part of a predisposition screen in an ostensibly healthy population. It had not been previously curated by ICSL or reported in the Human Gene Mutation Database (HGMD: prior to June 1st, 2018), and was therefore a candidate for classification through an automated scoring system. Utilizing variant allele frequency, disease prevalence and penetrance estimates, and inheritance mode, an automated score was calculated to assess if this variant is too frequent to cause the disease. Based on the score and internal cut-off values, a variant classified as benign is not then subjected to further curation. The score for this variant resulted in a classification of benign for this disease.

GeneDx
Classification: Benign. Last evaluated: 2017-10-26. Review status: criteria provided, single submitter. Criteria: GeneDx Variant Classification (06012015). Collection method: clinical testing. Allele origin: germline. Affected: yes.
Comment: This variant is considered likely benign or benign based on one or more of the following criteria: it is a conservative change, it occurs at a poorly conserved position in the protein, it is predicted to be benign by multiple in silico algorithms, and/or has population frequency not consistent with disease.

Clinical Genetics DNA and cytogenetics Diagnostics Lab, Erasmus MC, Erasmus Medical Center
Classification: Benign for Saldino-Mainzer syndrome. Last evaluated: 2015-09-21. Review status: criteria provided, single submitter. Criteria: ACGS Guidelines, 2013. Collection method: clinical testing. Allele origin: germline. Affected: yes. Study: VKGL Data-share Consensus.

Breakthrough Genomics
Classification: Benign. Review status: criteria provided, single submitter. Criteria: ACMG Guidelines, 2015. Collection method: not provided. Allele origin: germline. Inheritance: Autosomal recessive inheritance. Affected: yes.

Diagnostic Laboratory, Department of Genetics, University Medical Center Groningen
Classification: Benign for Saldino-Mainzer syndrome. Review status: no assertion criteria provided. Collection method: clinical testing. Allele origin: germline. Affected: yes. Study: VKGL Data-share Consensus. Not counted in ClinVar's aggregate classification.

NM_014714.4(IFT140):c.635-12G>C

Genes: IFT140 (intraflagellar transport 140; minus strand), LOC105371046 (uncharacterized LOC105371046; plus strand). Cytogenetic location: 16p13.3.
Variant type: single nucleotide variant.
Coding change: c.635-12G>C on transcript NM_014714.4 (MANE Select); 12 bases into the intron before coding-DNA position 635, G replaced by C.
Molecular consequence: intron variant.
Genome position (GRCh38, 1-based): chr16:1,589,792, C>G on the plus strand (G>C on the coding strand, the complement: IFT140 is on the minus strand). VCF-style: chr16-1589792-C-G. GRCh37 (hg19) VCF-style: chr16-1639793-C-G.
Identifiers: ClinVar variation 318209 (VCV000318209.15), dbSNP rs12447357, ClinGen allele CA7814620.